The following is an entry in ClinVar:

NM_206933.4(USH2A):c.2302T>C (p.Cys768Arg)

Gene: USH2A (usherin; minus strand). Cytogenetic location: 1q41.
Variant type: single nucleotide variant.
Coding change: c.2302T>C on transcript NM_206933.4 (MANE Select); coding-DNA position 2302, T replaced by C.
Protein change: p.Cys768Arg; replaces cysteine 768 with arginine.
Molecular consequence: missense variant.
Genome position (GRCh38, 1-based): chr1:216,247,092, A>G on the plus strand (T>C on the coding strand, the complement: USH2A is on the minus strand). VCF-style: chr1-216247092-A-G. GRCh37 (hg19) VCF-style: chr1-216420434-A-G.
Other names: NC_000001.10:g.216420434A>G; NP_996816.3:p.(Cys768Arg); c.2302T>C, p.Cys768Arg (NM_007123.6); short protein forms C768R.
Identifiers: ClinVar variation 2577501 (VCV002577501.5), dbSNP rs1052375050, ClinGen allele CA37501454.
Genomic context (GRCh38, chr1:216,247,092, plus strand): 5'-CTAACCCATAAAAGTTTTCTCTGCAGGTGTCACACTGAAGTCCTTTGGCTTCTTTTTTGC[A>G]CTCACACTGCCCAGAGTGAGGATTGCAGAATTTGTTCACTGAGCCATGGAGGTTACACTG-3'
Protein context (NP_996816.3, residues 758-778): FCNPHSGQCE[Cys768Arg]KKEAKGLQCD

ClinVar aggregate classification (germline): Conflicting classifications of pathogenicity. Review status: criteria provided, conflicting classifications (1 of 4 stars). 2 submissions from 2 submitters: Likely pathogenic (1); Uncertain significance (1). Last evaluated 2023-07-24.

Conditions:
Usher syndrome. Also called: Usher's syndrome; Usher Syndromes. Identifiers: Orphanet 886, MedGen CN469326, MeSH D052245, MONDO:0019501. Disease mechanism: loss of function.

Allele frequency attached by ClinVar (database versions not stated): gnomAD exomes below 0.00001.
gnomAD v4.1: 1 of 1,613,846 alleles (0.000062%); highest among the groups gnomAD compares: South Asian, 0.0011%; no homozygotes.

Submissions (2):

Ophthalmic Genetics Group, Institute of Molecular and Clinical Ophthalmology Basel
Classification: Likely pathogenic for Usher syndrome. Last evaluated: 2023-07-24. Review status: criteria provided, single submitter. Criteria: ACMG Guidelines, 2015. Collection method: research. Allele origin: germline. Affected: yes. Observed: 1 variant allele.
Comment: Clinical significance based on ACMG v2.0

This variant was classified as Likely pathogenic based on ACMG criteria: PP3, PM2, PM1.

Labcorp Genetics (formerly Invitae), Labcorp
Classification: Uncertain significance. Last evaluated: 2023-03-08. Review status: criteria provided, single submitter. Criteria: Invitae Variant Classification Sherloc (09022015). Collection method: clinical testing. Allele origin: germline.
Comment: In summary, the available evidence is currently insufficient to determine the role of this variant in disease. Therefore, it has been classified as a Variant of Uncertain Significance. Advanced modeling of protein sequence and biophysical properties (such as structural, functional, and spatial information, amino acid conservation, physicochemical variation, residue mobility, and thermodynamic stability) performed at Invitae indicates that this missense variant is expected to disrupt USH2A protein function. This variant has not been reported in the literature in individuals affected with USH2A-related conditions. This sequence change replaces cysteine, which is neutral and slightly polar, with arginine, which is basic and polar, at codon 768 of the USH2A protein (p.Cys768Arg). This variant is not present in population databases (gnomAD no frequency).

Literature cited by the submitters: PubMed 36909829 (cited by Ophthalmic Genetics Group, Institute of Molecular and Clinical Ophthalmology Basel).